The following is an entry in ClinVar:

ClinVar aggregate classification (germline): Uncertain significance. Review status: criteria provided, multiple submitters, no conflicts (2 of 4 stars). 2 submissions from 2 submitters: Uncertain significance (2). Last evaluated 2025-12-04.

Conditions:
Hereditary cancer-predisposing syndrome. Also called: Tumor predisposition; Hereditary neoplastic syndrome; Neoplastic Syndromes, Hereditary; Hereditary Cancer Syndrome. Identifiers: Orphanet 140162, MedGen C0027672, MeSH D009386, MONDO:0015356.
BAP1-related tumor predisposition syndrome (TPDS1). Also called: TUMOR PREDISPOSITION SYNDROME 1; BAP1 tumor predisposition syndrome; Tumor susceptibility linked to germline BAP1 mutations; COMMON Syndrome. Identifiers: Orphanet 289539, MedGen C3280492, MONDO:0013692, OMIM 614327.

Submissions (2):

Ambry Genetics
Classification: Uncertain significance for Hereditary cancer-predisposing syndrome. Last evaluated: 2025-12-04. Review status: criteria provided, single submitter. Criteria: Ambry Variant Classification Scheme 2023. Collection method: clinical testing. Allele origin: germline.
Comment: The p.G318D variant (also known as c.953G>A), located in coding exon 11 of the BAP1 gene, results from a G to A substitution at nucleotide position 953. The glycine at codon 318 is replaced by aspartic acid, an amino acid with similar properties. This amino acid position is conserved. In addition, this alteration is predicted to be tolerated by in silico analysis. Based on the available evidence, the clinical significance of this variant remains unclear.

Labcorp Genetics (formerly Invitae), Labcorp
Classification: Uncertain significance for BAP1-related tumor predisposition syndrome. Last evaluated: 2021-12-27. Review status: criteria provided, single submitter. Criteria: Invitae Variant Classification Sherloc (09022015). Collection method: clinical testing. Allele origin: germline.
Comment: This variant has not been reported in the literature in individuals affected with BAP1-related conditions. In summary, the available evidence is currently insufficient to determine the role of this variant in disease. Therefore, it has been classified as a Variant of Uncertain Significance. Algorithms developed to predict the effect of missense changes on protein structure and function are either unavailable or do not agree on the potential impact of this missense change (SIFT: "Deleterious"; PolyPhen-2: "Benign"; Align-GVGD: "Class C0"). This variant is not present in population databases (gnomAD no frequency). This sequence change replaces glycine, which is neutral and non-polar, with aspartic acid, which is acidic and polar, at codon 318 of the BAP1 protein (p.Gly318Asp).

NM_004656.4(BAP1):c.953G>A (p.Gly318Asp)

Gene: BAP1 (BRCA1 associated deubiquitinase 1; minus strand). Cytogenetic location: 3p21.1.
Variant type: single nucleotide variant.
Coding change: c.953G>A on transcript NM_004656.4 (MANE Select); coding-DNA position 953, G replaced by A.
Protein change: p.Gly318Asp; replaces glycine 318 with aspartic acid.
Molecular consequence: missense variant.
Genome position (GRCh38, 1-based): chr3:52,405,273, C>T on the plus strand (G>A on the coding strand, the complement: BAP1 is on the minus strand). VCF-style: chr3-52405273-C-T. GRCh37 (hg19) VCF-style: chr3-52439289-C-T.
Other names: c.899G>A, p.Gly300Asp (NM_001410772.1); short protein forms G318D, G300D.
Identifiers: ClinVar variation 2061665 (VCV002061665.5), dbSNP rs1705114213, ClinGen allele CA353106278.
Genomic context (GRCh38, chr3:52,405,273, plus strand): 5'-GGCTTCACCACTAGCTTGGGTTTGTTGGGAGGGCTGTGGGATGGGGCTTGTGCGCATGAA[C>T]CAGCCGCCTCCTCTGCACCATCTGAGACAGGGCAAGAACACAGGCAGGACCTCCAGTAGG-3'
Protein context (NP_004647.1, residues 308-328): NHTDGAEEAA[Gly318Asp]SCAQAPSHSP